The following is an entry in ClinVar:

NM_001734.5(C1S):c.1795A>G (p.Lys599Glu)

Gene: C1S (complement C1s; plus strand). Cytogenetic location: 12p13.31.
Variant type: single nucleotide variant.
Coding change: c.1795A>G on transcript NM_001734.5 (MANE Select); coding-DNA position 1795, A replaced by G.
Protein change: p.Lys599Glu; replaces lysine 599 with glutamic acid.
Molecular consequence: missense variant.
Genome position (GRCh38, 1-based): chr12:7,070,379, A>G. VCF-style: chr12-7070379-A-G. GRCh37 (hg19) VCF-style: chr12-7177683-A-G.
Other names: c.1294A>G, p.Lys432Glu (NM_001346850.2); c.1795A>G, p.Lys599Glu (NM_201442.4); short protein forms K432E, K599E.
Identifiers: ClinVar variation 1961623 (VCV001961623.5), dbSNP rs781978012, ClinGen allele CA6423846.

ClinVar aggregate classification (germline): Uncertain significance (1 of 4 stars; one submission).

Allele frequency attached by ClinVar (database versions not stated): TOPMed 0.00001; gnomAD exomes 0.00001; ExAC 0.00002.
gnomAD v4.1: 5 of 1,614,276 alleles (0.00031%); highest among the groups gnomAD compares: Admixed American, 0.0083%; no homozygotes.

Submission:

Labcorp Genetics (formerly Invitae), Labcorp
Classification: Uncertain significance. Last evaluated: 2025-10-16. Review status: criteria provided, single submitter. Criteria: Invitae Variant Classification Sherloc (09022015). Collection method: clinical testing. Allele origin: germline.
Comment: This sequence change replaces lysine, which is basic and polar, with glutamic acid, which is acidic and polar, at codon 599 of the C1S protein (p.Lys599Glu). This variant is present in population databases (rs781978012, gnomAD 0.01%). This variant has not been reported in the literature in individuals affected with C1S-related conditions. ClinVar contains an entry for this variant (Variation ID: 1961623). Invitae Evidence Modeling of protein sequence and biophysical properties (such as structural, functional, and spatial information, amino acid conservation, physicochemical variation, residue mobility, and thermodynamic stability) indicates that this missense variant is not expected to disrupt C1S protein function with a negative predictive value of 80%. In summary, the available evidence is currently insufficient to determine the role of this variant in disease. Therefore, it has been classified as a Variant of Uncertain Significance.